The following is an entry in ClinVar:

NM_001079872.2(CUL4B):c.2395A>C (p.Lys799Gln)

Gene: CUL4B (cullin 4B; minus strand). Cytogenetic location: Xq24.
Variant type: single nucleotide variant.
Coding change: c.2395A>C on transcript NM_001079872.2 (MANE Select); coding-DNA position 2395, A replaced by C.
Protein change: p.Lys799Gln; replaces lysine 799 with glutamine.
Molecular consequence: missense variant.
Genome position (GRCh38, 1-based): chrX:120,532,466, T>G on the plus strand (A>C on the coding strand, the complement: CUL4B is on the minus strand). VCF-style: chrX-120532466-T-G. GRCh37 (hg19) VCF-style: chrX-119666321-T-G.
Other names: c.2410A>C, p.Lys804Gln (NM_001330624.2); c.1861A>C, p.Lys621Gln (NM_001369145.1); c.2449A>C, p.Lys817Gln (NM_003588.4); short protein forms K621Q, K817Q, K799Q, K804Q.
Identifiers: ClinVar variation 4616773 (VCV004616773.2).

ClinVar aggregate classification (germline): Uncertain significance. Review status: criteria provided, multiple submitters, no conflicts (2 of 4 stars). 2 submissions from 2 submitters: Uncertain significance (2). Last evaluated 2026-03-19.

Conditions:
Inborn genetic diseases. Identifiers: MedGen C0950123, MeSH D030342.

Submissions (2):

GeneDx
Classification: Uncertain significance. Last evaluated: 2026-03-19. Review status: criteria provided, single submitter. Criteria: GeneDx Variant Classification Process June 2021. Collection method: clinical testing. Allele origin: germline.
Comment: Not observed at significant frequency in large population cohorts (gnomAD); In silico analysis supports that this missense variant has a deleterious effect on protein structure/function; Has not been previously published as pathogenic or benign to our knowledge

Ambry Genetics
Classification: Uncertain significance for Inborn genetic diseases. Last evaluated: 2025-10-07. Review status: criteria provided, single submitter. Criteria: Ambry Variant Classification Scheme 2023. Collection method: clinical testing. Allele origin: germline.